The following is an entry in ClinVar:

ClinVar aggregate classification (germline): Pathogenic (1 of 4 stars; one submission).

Conditions:
Thrombophilia, X-linked, due to factor 9 defect. Identifiers: MedGen C2749016, MONDO:0010432, OMIM 300807.
Hereditary factor IX deficiency disease (HEMB). Also called: Christmas Disease; F9 DEFICIENCY; FACTOR IX DEFICIENCY; PLASMA THROMBOPLASTIN COMPONENT DEFICIENCY; Hemophilia B. Identifiers: Orphanet 98879, MedGen C0008533, MeSH D002836, MONDO:0010604, OMIM 306900.

Submission:

Labcorp Genetics (formerly Invitae), Labcorp
Classification: Pathogenic for Thrombophilia, X-linked, due to factor 9 defect; Hereditary factor IX deficiency disease. Last evaluated: 2022-05-24. Review status: criteria provided, single submitter. Criteria: Invitae Variant Classification Sherloc (09022015). Collection method: clinical testing. Allele origin: germline.
Comment: For these reasons, this variant has been classified as Pathogenic. Advanced modeling of protein sequence and biophysical properties (such as structural, functional, and spatial information, amino acid conservation, physicochemical variation, residue mobility, and thermodynamic stability) performed at Invitae indicates that this missense variant is expected to disrupt F9 protein function. This variant is also known as p.Asn92His. This missense change has been observed in individuals with hemophilia B (PMID: 7937052, 25251685). This variant is not present in population databases (gnomAD no frequency). This sequence change replaces asparagine, which is neutral and polar, with histidine, which is basic and polar, at codon 138 of the F9 protein (p.Asn138His).

Literature cited by the submitters: PubMed 7937052; PubMed 25251685.

NM_000133.4(F9):c.412A>C (p.Asn138His)

Gene: F9 (coagulation factor IX; plus strand). Cytogenetic location: Xq27.1.
Variant type: single nucleotide variant.
Coding change: c.412A>C on transcript NM_000133.4 (MANE Select); coding-DNA position 412, A replaced by C.
Protein change: p.Asn138His; replaces asparagine 138 with histidine.
Molecular consequence: missense variant.
Genome position (GRCh38, 1-based): chrX:139,548,383, A>C. VCF-style: chrX-139548383-A-C. GRCh37 (hg19) VCF-style: chrX-138630542-A-C.
Other names: c.298A>C, p.Asn100His (NM_001313913.2); short protein forms N100H, N138H.
Identifiers: ClinVar variation 2138737 (VCV002138737.4), dbSNP rs2520790255, ClinGen allele CA414438845.
Genomic context (GRCh38, chrX:139,548,383, plus strand): 5'-TGTTAAATGATGCTGTTACTGTCTATTTTGCTTCTTTTAGATGTAACATGTAACATTAAG[A>C]ATGGCAGATGCGAGCAGTTTTGTAAAAATAGTGCTGATAACAAGGTGGTTTGCTCCTGTA-3'
Protein context (NP_000124.1, residues 128-148): CELDVTCNIK[Asn138His]GRCEQFCKNS